The following is an entry in ClinVar:

NM_033380.3(COL4A5):c.2587G>A (p.Gly863Ser)

Gene: COL4A5 (collagen type IV alpha 5 chain; plus strand). Cytogenetic location: Xq22.3.
Variant type: single nucleotide variant.
Coding change: c.2587G>A on transcript NM_033380.3 (MANE Select); coding-DNA position 2587, G replaced by A.
Protein change: p.Gly863Ser; replaces glycine 863 with serine.
Molecular consequence: missense variant.
Genome position (GRCh38, 1-based): chrX:108,620,336, G>A. VCF-style: chrX-108620336-G-A. GRCh37 (hg19) VCF-style: chrX-107863566-G-A.
Other names: c.2587G>A, p.Gly863Ser (NM_000495.5); short protein forms G863S.
Identifiers: ClinVar variation 635542 (VCV000635542.3), dbSNP rs1603297305, ClinGen allele CA413851405.

ClinVar aggregate classification (germline): Likely pathogenic. Review status: criteria provided, single submitter (1 of 4 stars). 2 submissions from 2 submitters: Likely pathogenic (1). 1 of the submissions does not count toward it. Last evaluated 2025-08-20.

Conditions:
X-linked Alport syndrome (ATS1). Also called: COL4A5-Related Nephropathy; NEPHROPATHY AND DEAFNESS, X-LINKED. Identifiers: Orphanet 63, Orphanet 88917, MedGen C4746986, MONDO:0010520, OMIM 301050.

Submissions (2):

Labcorp Genetics (formerly Invitae), Labcorp
Classification: Likely pathogenic. Last evaluated: 2025-08-20. Review status: criteria provided, single submitter. Criteria: Invitae Variant Classification Sherloc (09022015). Collection method: clinical testing. Allele origin: germline.
Comment: This sequence change replaces glycine, which is neutral and non-polar, with serine, which is neutral and polar, at codon 863 of the COL4A5 protein (p.Gly863Ser). This variant is not present in population databases (gnomAD no frequency). This missense change has been observed in individual(s) with COL4A5-related conditions (PMID: 35020912). ClinVar contains an entry for this variant (Variation ID: 635542). Invitae Evidence Modeling of protein sequence and biophysical properties (such as structural, functional, and spatial information, amino acid conservation, physicochemical variation, residue mobility, and thermodynamic stability) indicates that this missense variant is expected to disrupt COL4A5 protein function with a positive predictive value of 95%. This variant disrupts the triple helix domain of COL4A5. Glycine residues within the Gly-Xaa-Yaa repeats of the triple helix domain are required for the structure and stability of fibrillar collagens (PMID: 7695699, 8218237, 19344236). In COL4A5, missense variants at these glycine residues are significantly enriched in individuals with disease (PMID: 23720012, 27627812) compared to the general population (ExAC). In summary, the currently available evidence indicates that the variant is pathogenic, but additional data are needed to prove that conclusively. Therefore, this variant has been classified as Likely Pathogenic.

Bioscientia Institut fuer Medizinische Diagnostik GmbH, Sonic Healthcare
Classification: Likely pathogenic for X-linked Alport syndrome. Last evaluated: 2019-01-15. Review status: no assertion criteria provided. Collection method: clinical testing. Allele origin: germline. Affected: yes. Not counted in ClinVar's aggregate classification.

Literature cited by the submitters: PubMed 35020912 (cited by Labcorp Genetics (formerly Invitae), Labcorp); PubMed 7695699 (cited by Labcorp Genetics (formerly Invitae), Labcorp); PubMed 8218237 (cited by Labcorp Genetics (formerly Invitae), Labcorp); PubMed 19344236 (cited by Labcorp Genetics (formerly Invitae), Labcorp); PubMed 23720012 (cited by Labcorp Genetics (formerly Invitae), Labcorp); PubMed 27627812 (cited by Labcorp Genetics (formerly Invitae), Labcorp).